The following is an entry in ClinVar:

ClinVar aggregate classification (germline): Uncertain significance. Review status: criteria provided, multiple submitters, no conflicts (2 of 4 stars). 2 submissions from 2 submitters: Uncertain significance (2). Last evaluated 2026-04-04.

Conditions:
Hereditary cancer-predisposing syndrome. Also called: Hereditary Cancer Syndrome; Tumor predisposition; Hereditary neoplastic syndrome; Neoplastic Syndromes, Hereditary. Identifiers: Orphanet 140162, MedGen C0027672, MeSH D009386, MONDO:0015356.

Submissions (2):

Ambry Genetics
Classification: Uncertain significance for Hereditary cancer-predisposing syndrome. Last evaluated: 2026-04-04. Review status: criteria provided, single submitter. Criteria: Ambry Variant Classification Scheme 2023. Collection method: clinical testing. Allele origin: germline.
Comment: The p.D88G variant (also known as c.263A>G), located in coding exon 3 of the RAD50 gene, results from an A to G substitution at nucleotide position 263. The aspartic acid at codon 88 is replaced by glycine, an amino acid with similar properties. This amino acid position is conserved. In addition, the in silico prediction for this alteration is inconclusive. Based on the available evidence, the clinical significance of this variant remains unclear.

Labcorp Genetics (formerly Invitae), Labcorp
Classification: Uncertain significance for Hereditary cancer-predisposing syndrome. Last evaluated: 2023-09-11. Review status: criteria provided, single submitter. Criteria: Invitae Variant Classification Sherloc (09022015). Collection method: clinical testing. Allele origin: germline.
Comment: This variant is not present in population databases (gnomAD no frequency). In summary, the available evidence is currently insufficient to determine the role of this variant in disease. Therefore, it has been classified as a Variant of Uncertain Significance. Advanced modeling of protein sequence and biophysical properties (such as structural, functional, and spatial information, amino acid conservation, physicochemical variation, residue mobility, and thermodynamic stability) has been performed at Invitae for this missense variant, however the output from this modeling did not meet the statistical confidence thresholds required to predict the impact of this variant on RAD50 protein function. ClinVar contains an entry for this variant (Variation ID: 457410). This variant has not been reported in the literature in individuals affected with RAD50-related conditions. This sequence change replaces aspartic acid, which is acidic and polar, with glycine, which is neutral and non-polar, at codon 88 of the RAD50 protein (p.Asp88Gly).

NM_005732.4(RAD50):c.263A>G (p.Asp88Gly)

Gene: RAD50 (RAD50 double strand break repair protein; plus strand). Cytogenetic location: 5q31.1.
Variant type: single nucleotide variant.
Coding change: c.263A>G on transcript NM_005732.4 (MANE Select); coding-DNA position 263, A replaced by G.
Protein change: p.Asp88Gly; replaces aspartic acid 88 with glycine.
Molecular consequence: missense variant.
Genome position (GRCh38, 1-based): chr5:132,575,826, A>G. VCF-style: chr5-132575826-A-G. GRCh37 (hg19) VCF-style: chr5-131911518-A-G.
Other names: short protein forms D88G.
Identifiers: ClinVar variation 457410 (VCV000457410.10), dbSNP rs1554097571, ClinGen allele CA360930654.
Genomic context (GRCh38, chr5:132,575,826, plus strand): 5'-TTCCTTCAAAGGTTGCTCAAGAAACAGATGTGAGAGCCCAGATTCGTCTGCAATTTCGTG[A>G]TGTCAATGGAGAACTTATAGCTGTGCAAAGATCTATGGTGTGTACTCAGAAAAGCAAAAA-3'
Protein context (NP_005723.2, residues 78-98): VRAQIRLQFR[Asp88Gly]VNGELIAVQR